The following is an entry in ClinVar:

ClinVar aggregate classification (germline): Likely benign. Review status: criteria provided, multiple submitters, no conflicts (2 of 4 stars). 2 submissions from 2 submitters: Likely benign (2). Last evaluated 2026-01-01.

Conditions:
Dystonia 12 (DYT12). Also called: DYT-ATP1A3; Rapid-Onset Dystonia-Parkinsonism (RDP). Identifiers: Orphanet 71517, MedGen C1868681, MONDO:0007496, OMIM 128235.

Allele frequency attached by ClinVar (database versions not stated): gnomAD exomes below 0.00001 and 0.00002; gnomAD 0.00001; ExAC 0.00002; TOPMed 0.00002; 1000 Genomes Project 30x 0.00016; 1000 Genomes Project 0.00020.

Submissions (2):

CeGaT Center for Human Genetics Tuebingen
Classification: Likely benign. Last evaluated: 2026-01-01. Review status: criteria provided, single submitter. Criteria: CeGaT Center For Human Genetics Tuebingen Variant Classification Criteria Version 2. Collection method: clinical testing. Allele origin: germline. Affected: yes. Observed: 1 variant allele.
Comment: ATP1A3: BP4, BP7

Labcorp Genetics (formerly Invitae), Labcorp
Classification: Likely benign for Dystonia 12. Last evaluated: 2024-11-12. Review status: criteria provided, single submitter. Criteria: Invitae Variant Classification Sherloc (09022015). Collection method: clinical testing. Allele origin: germline.

NM_152296.5(ATP1A3):c.669C>T (p.His223=)

Gene: ATP1A3 (ATPase Na+/K+ transporting subunit alpha 3; minus strand). Cytogenetic location: 19q13.2.
Variant type: single nucleotide variant.
Coding change: c.669C>T on transcript NM_152296.5 (MANE Select); coding-DNA position 669, C replaced by T.
Protein change: p.His223=; no amino-acid change (histidine 223 retained).
Molecular consequence: synonymous variant.
Genome position (GRCh38, 1-based): chr19:41,985,361, G>A on the plus strand (C>T on the coding strand, the complement: ATP1A3 is on the minus strand). VCF-style: chr19-41985361-G-A. GRCh37 (hg19) VCF-style: chr19-42489513-G-A.
Other names: c.702C>T, p.His234= (NM_001256213.2); c.708C>T, p.His236= (NM_001256214.2).
Identifiers: ClinVar variation 1099674 (VCV001099674.13), dbSNP rs201584925, ClinGen allele CA9467814.